The following is an entry in ClinVar:

ClinVar aggregate classification (germline): Uncertain significance (1 of 4 stars; one submission).

Submission:

Women's Health and Genetics/Laboratory Corporation of America, LabCorp
Classification: Uncertain significance. Last evaluated: 2024-12-26. Review status: criteria provided, single submitter. Criteria: LabCorp Variant Classification Summary - May 2015. Collection method: clinical testing. Allele origin: germline.
Comment: Variant summary: POGZ c.3726G>A (p.Met1242Ile) results in a conservative amino acid change in the encoded protein sequence. Five of five in-silico tools predict a benign effect of the variant on protein function. The variant was absent in 251446 control chromosomes. The available data on variant occurrences in the general population are insufficient to allow any conclusion about variant significance. To our knowledge, no occurrence of c.3726G>A in individuals affected with White-Sutton Syndrome and no experimental evidence demonstrating its impact on protein function have been reported. No submitters have cited clinical-significance assessments for this variant to ClinVar. Based on the evidence outlined above, the variant was classified as uncertain significance.

NM_015100.4(POGZ):c.3726G>A (p.Met1242Ile)

Gene: POGZ (pogo transposable element derived with ZNF domain; minus strand). Cytogenetic location: 1q21.3.
Variant type: single nucleotide variant.
Coding change: c.3726G>A on transcript NM_015100.4 (MANE Select); coding-DNA position 3726, G replaced by A.
Protein change: p.Met1242Ile; replaces methionine 1242 with isoleucine.
Molecular consequence: missense variant.
Genome position (GRCh38, 1-based): chr1:151,405,309, C>T on the plus strand (G>A on the coding strand, the complement: POGZ is on the minus strand). VCF-style: chr1-151405309-C-T. GRCh37 (hg19) VCF-style: chr1-151377785-C-T.
Other names: c.3699G>A, p.Met1233Ile (NM_001194937.2); c.3540G>A, p.Met1180Ile (NM_001194938.2); c.3747G>A, p.Met1249Ile (NM_001410860.1); c.3441G>A, p.Met1147Ile (NM_145796.4); c.3567G>A, p.Met1189Ile (NM_207171.2); short protein forms M1147I, M1180I, M1189I, M1233I, M1242I, M1249I.
Identifiers: ClinVar variation 3768314 (VCV003768314.1).